The following is an entry in ClinVar:

NM_001754.5(RUNX1):c.146del (p.Pro49fs)

Gene: RUNX1 (RUNX family transcription factor 1; minus strand). Cytogenetic location: 21q22.12.
Variant type: Deletion.
Coding change: c.146del on transcript NM_001754.5 (MANE Select); coding-DNA position 146, one base deleted (C; older notation c.146delC).
Protein change: p.Pro49fs; shifts the reading frame from proline 49.
Molecular consequence: frameshift variant.
Genome position (GRCh38, 1-based): chr21:34,887,048, G deleted on the plus strand (C on the coding strand, the reverse complement: RUNX1 is on the minus strand); the first of 3 consecutive G bases (chr21:34,887,048-34,887,050); deleting any one gives the same sequence. VCF-style (leftmost placement, unchanged base first): chr21-34887047-TG-T. GRCh37 (hg19) VCF-style: chr21-36259344-TG-T.
Other names: NM_001754.5(RUNX1):c.146del; p.Pro49fs; c.65del, p.Pro22fs (NM_001001890.3, NM_001122607.2); short protein forms P49fs, P22fs.
Identifiers: ClinVar variation 2101398 (VCV002101398.5), dbSNP rs2517487922, ClinGen allele CA2580098653.
Genomic context (GRCh38, chr21:34,887,047, plus strand): 5'-GCCGGCCAGGGCAGCGCCGGCGTCCGGGGCGCCCAGCGGCAACGCCTCGCTCATCTTGCC[TG>T]GGCTCAGCGCGGTGGAAGGCGGCGTGAAGCGGCGGCTCGTGCTGGCATCTACGGGGATAC-3'

ClinVar aggregate classification (germline): Pathogenic. Review status: reviewed by expert panel (3 of 4 stars). 2 submissions from 2 submitters: Pathogenic (1). 1 of the submissions does not count toward it. Last evaluated 2024-09-10.

Conditions:
Hereditary thrombocytopenia and hematological cancer predisposition syndrome associated with RUNX1. Also called: Familial Platelet Disorder with Propensity to Acute Myelogenous Leukemia; Familial thrombocytopenia with propensity to acute myelogenous leukemia; PLATELET DISORDER, ASPIRIN-LIKE; RUNX1 Familial Platelet Disorder with Associated Myeloid Malignancies. Identifiers: Orphanet 71290, MedGen C1832388, MeSH C563324, MONDO:0100083, OMIM 601399.
Hereditary thrombocytopenia and hematologic cancer predisposition syndrome. Identifiers: Orphanet 71290, MedGen CN281654, MONDO:0011071.

Submissions (2):

ClinGen Myeloid Malignancy Variant Curation Expert Panel
Classification: Pathogenic for Hereditary thrombocytopenia and hematologic cancer predisposition syndrome. Last evaluated: 2024-09-10. Review status: reviewed by expert panel. Criteria: ClinGen MyeloMalig ACMG Specifications v2. Collection method: curation. Allele origin: germline. Inheritance: Autosomal dominant inheritance.
Comment: NM_001754.5(RUNX1):c.146del (p.Pro49GlnfsTer4) is a nonsense variant which is not predicted to undergo NMD, and the truncated/altered region is critical for protein function (nonsense c.917-c.1440 as per VCEP specifications) (PVS1_Strong). This variant has been reported in four or more probands meeting at least one of the RUNX1-phenotypic criteria (PS4). It is absent from all population databases with at least 20x coverage for RUNX1 (PM2_supporting). This variant is located downstream of c.98 (PM5_supporting). In summary, this variant meets criteria to be classified as pathogenic. ACMG/AMP criteria applied, as specified by the Myeloid Malignancy Variant Curation Expert Panel for RUNX1: PVS1_Strong, PM2_supporting, PM5_supporting, PS4.

Labcorp Genetics (formerly Invitae), Labcorp
Classification: Pathogenic for Hereditary thrombocytopenia and hematological cancer predisposition syndrome associated with RUNX1. Last evaluated: 2022-02-22. Review status: criteria provided, single submitter. Criteria: Invitae Variant Classification Sherloc (09022015). Collection method: clinical testing. Allele origin: germline. Not counted in ClinVar's aggregate classification.
Comment: This sequence change creates a premature translational stop signal (p.Pro49Glnfs*4) in the RUNX1 gene. It is expected to result in an absent or disrupted protein product. Loss-of-function variants in RUNX1 are known to be pathogenic (PMID: 18723428, 24100448). This variant is not present in population databases (gnomAD no frequency). This variant has not been reported in the literature in individuals affected with RUNX1-related conditions. For these reasons, this variant has been classified as Pathogenic.

Literature cited by the submitters: PubMed 18723428 (cited by Labcorp Genetics (formerly Invitae), Labcorp); PubMed 24100448 (cited by Labcorp Genetics (formerly Invitae), Labcorp).